The following is an entry in ClinVar:

ClinVar aggregate classification (germline): Conflicting classifications of pathogenicity. Review status: criteria provided, conflicting classifications (1 of 4 stars). 3 submissions from 3 submitters: Pathogenic (1); Uncertain significance (1). 1 of the submissions does not count toward it. Last evaluated 2026-02-18.

Conditions:
Joubert syndrome 3 (JBTS3). Also called: AHI1-related Ciliopathy. Identifiers: Orphanet 220493, MedGen C1837713, MONDO:0012078, OMIM 608629.
Joubert syndrome. Also called: JOUBERT-BOLTSHAUSER SYNDROME; Familial aplasia of the vermis. Identifiers: Orphanet 475, MedGen C5979921, MONDO:0018772.

Allele frequency attached by ClinVar (database versions not stated): gnomAD 0.00001; gnomAD exomes 0.00001.

Submissions (3):

Myriad Genetics, Inc.
Classification: Uncertain significance for Joubert syndrome 3. Last evaluated: 2026-02-18. Review status: criteria provided, single submitter. Criteria: Myriad Autosomal Dominant, Autosomal Recessive and X-Linked Classification Criteria (2023). Collection method: clinical testing. Allele origin: unknown.
Comment: NM_001134831.1(AHI1):c.1484G>A(R495H) is a missense variant classified as a variant of uncertain significance in the context of Joubert syndrome, AHI1-related. R495H has been observed in a case with relevant disease (PMID: 21937992). Relevant functional assessments of this variant are not available in the literature. R495H has not been observed in referenced population frequency databases. In summary, there is insufficient evidence to classify NM_001134831.1(AHI1):c.1484G>A(R495H) as pathogenic or benign. Please note: this variant was assessed in the context of healthy population screening.

Labcorp Genetics (formerly Invitae), Labcorp
Classification: Pathogenic for Joubert syndrome. Last evaluated: 2025-05-23. Review status: criteria provided, single submitter. Criteria: Invitae Variant Classification Sherloc (09022015). Collection method: clinical testing. Allele origin: germline.
Comment: This sequence change replaces arginine, which is basic and polar, with histidine, which is basic and polar, at codon 495 of the AHI1 protein (p.Arg495His). This variant is present in population databases (rs387907003, gnomAD 0.007%). This missense change has been observed in individual(s) with Joubert syndrome (PMID: 21937992; internal data). ClinVar contains an entry for this variant (Variation ID: 30761). Invitae Evidence Modeling of protein sequence and biophysical properties (such as structural, functional, and spatial information, amino acid conservation, physicochemical variation, residue mobility, and thermodynamic stability) indicates that this missense variant is expected to disrupt AHI1 protein function with a positive predictive value of 95%. For these reasons, this variant has been classified as Pathogenic.

OMIM
Classification: Pathogenic for JOUBERT SYNDROME 3. Last evaluated: 2011-09-21. Review status: no assertion criteria provided. Collection method: literature only. Allele origin: germline. Not counted in ClinVar's aggregate classification.

Literature cited by the submitters: PubMed 21937992 (cited by 3 submitters).

NM_001134831.2(AHI1):c.1484G>A (p.Arg495His)

Gene: AHI1 (Abelson helper integration site 1; minus strand). Cytogenetic location: 6q23.3.
Variant type: single nucleotide variant.
Coding change: c.1484G>A on transcript NM_001134831.2 (MANE Select); coding-DNA position 1484, G replaced by A.
Protein change: p.Arg495His; replaces arginine 495 with histidine.
Molecular consequence: missense variant.
Genome position (GRCh38, 1-based): chr6:135,448,432, C>T on the plus strand (G>A on the coding strand, the complement: AHI1 is on the minus strand). VCF-style: chr6-135448432-C-T. GRCh37 (hg19) VCF-style: chr6-135769570-C-T.
Other names: c.1484G>A, p.Arg495His (NM_001134830.2, NM_001134832.2, NM_001350503.2 and 2 more transcripts); short protein forms R495H.
Identifiers: ClinVar variation 30761 (VCV000030761.7), dbSNP rs387907003, ClinGen allele CA259902.